The following is an entry in ClinVar:

NM_025137.4(SPG11):c.4643C>T (p.Pro1548Leu)

Gene: SPG11 (SPG11 vesicle trafficking associated, spatacsin; minus strand). Cytogenetic location: 15q21.1.
Variant type: single nucleotide variant.
Coding change: c.4643C>T on transcript NM_025137.4 (MANE Select); coding-DNA position 4643, C replaced by T.
Protein change: p.Pro1548Leu; replaces proline 1548 with leucine.
Molecular consequence: missense variant.
Genome position (GRCh38, 1-based): chr15:44,592,431, G>A on the plus strand (C>T on the coding strand, the complement: SPG11 is on the minus strand). VCF-style: chr15-44592431-G-A. GRCh37 (hg19) VCF-style: chr15-44884629-G-A.
Other names: c.4643C>T, p.Pro1548Leu (NM_001160227.2); short protein forms P1548L.
Identifiers: ClinVar variation 534878 (VCV000534878.9), dbSNP rs368706788, ClinGen allele CA7534621.
Genomic context (GRCh38, chr15:44,592,431, plus strand): 5'-GCTTCTTTATAATTCCTGAAGAACATACACAGTTCATACATCTCCATCACCAGTAGTAAC[G>A]GGGAATCCTTTGACAAAGAGTTTGAAAAAAATTACAAAATTTTGAACTTAATATTTTTTC-3'
Protein context (NP_079413.3, residues 1538-1558): RGFQLFFKDS[Pro1548Leu]LLLVMEMYEL

ClinVar aggregate classification (germline): Uncertain significance. Review status: criteria provided, multiple submitters, no conflicts (2 of 4 stars). 3 submissions from 3 submitters: Uncertain significance (3). Last evaluated 2025-04-12.

Conditions:
Inborn genetic diseases. Identifiers: MedGen C0950123, MeSH D030342.
Hereditary spastic paraplegia 11. Also called: Nakamura Osame syndrome; Autosomal recessive hereditary spastic paraplegia, mental impairment, and thin corpus callosum; Spastic paraplegia, mental retardation and thin corpus callosum; SPASTIC PARAPLEGIA, AUTOSOMAL RECESSIVE, COMPLICATED, WITH THIN CORPUS CALLOSUM; SPASTIC PARAPLEGIA, AUTOSOMAL RECESSIVE, WITH MENTAL IMPAIRMENT AND THIN CORPUS CALLOSUM; Spastic Paraplegia 11. Identifiers: Orphanet 2822, MedGen C1858479, MONDO:0011445, OMIM 604360.

Allele frequency attached by ClinVar (database versions not stated): gnomAD 0.00002 and 0.00003; gnomAD exomes 0.00004 and 0.00005; ExAC 0.00005; TOPMed 0.00008.
gnomAD v4.1: 70 of 1,586,350 alleles (0.0044%); highest among the groups gnomAD compares: Admixed American, 0.0083%; no homozygotes.

Submissions (3):

Ambry Genetics
Classification: Uncertain significance for Inborn genetic diseases. Last evaluated: 2025-04-12. Review status: criteria provided, single submitter. Criteria: Ambry Variant Classification Scheme 2023. Collection method: clinical testing. Allele origin: germline.

Labcorp Genetics (formerly Invitae), Labcorp
Classification: Uncertain significance for Hereditary spastic paraplegia 11. Last evaluated: 2022-07-11. Review status: criteria provided, single submitter. Criteria: Invitae Variant Classification Sherloc (09022015). Collection method: clinical testing. Allele origin: germline.
Comment: This sequence change replaces proline, which is neutral and non-polar, with leucine, which is neutral and non-polar, at codon 1548 of the SPG11 protein (p.Pro1548Leu). This variant is present in population databases (rs368706788, gnomAD 0.01%). This variant has not been reported in the literature in individuals affected with SPG11-related conditions. ClinVar contains an entry for this variant (Variation ID: 534878). Algorithms developed to predict the effect of missense changes on protein structure and function are either unavailable or do not agree on the potential impact of this missense change (SIFT: "Deleterious"; PolyPhen-2: "Probably Damaging"; Align-GVGD: "Class C0"). In summary, the available evidence is currently insufficient to determine the role of this variant in disease. Therefore, it has been classified as a Variant of Uncertain Significance.

Breakthrough Genomics
Classification: Uncertain significance. Review status: criteria provided, single submitter. Criteria: ACMG Guidelines, 2015. Collection method: not provided. Allele origin: germline. Inheritance: Autosomal recessive inheritance. Affected: yes.